The following is an entry in ClinVar:

ClinVar aggregate classification (germline): Uncertain significance. Review status: criteria provided, multiple submitters, no conflicts (2 of 4 stars). 2 submissions from 2 submitters: Uncertain significance (2). Last evaluated 2025-05-21.

Conditions:
Inborn genetic diseases. Identifiers: MedGen C0950123, MeSH D030342.
Alpha thalassemia-X-linked intellectual disability syndrome (ATRX). Also called: ALPHA-THALASSEMIA/MENTAL RETARDATION SYNDROME, X-LINKED; ATR, NONDELETION TYPE; ATR-X syndrome; Alpha thalassemia mental retardation syndrome, nondeletion type, X-linked; XLMR hypotonic face syndrome; X-linked alpha-thalassemia-mental retardation syndrome. Identifiers: Orphanet 847, MedGen C1845055, MONDO:0010519, OMIM 301040.

Submissions (2):

Ambry Genetics
Classification: Uncertain significance for Inborn genetic diseases. Last evaluated: 2025-05-21. Review status: criteria provided, single submitter. Criteria: Ambry Variant Classification Scheme 2023. Collection method: clinical testing. Allele origin: germline.

Labcorp Genetics (formerly Invitae), Labcorp
Classification: Uncertain significance for Alpha thalassemia-X-linked intellectual disability syndrome. Last evaluated: 2020-11-17. Review status: criteria provided, single submitter. Criteria: Invitae Variant Classification Sherloc (09022015). Collection method: clinical testing. Allele origin: germline.
Comment: This variant is not present in population databases (ExAC no frequency). This sequence change replaces glycine with valine at codon 864 of the ATRX protein (p.Gly864Val). The glycine residue is moderately conserved and there is a moderate physicochemical difference between glycine and valine. This variant has not been reported in the literature in individuals with ATRX-related conditions. In summary, the available evidence is currently insufficient to determine the role of this variant in disease. Therefore, it has been classified as a Variant of Uncertain Significance. Algorithms developed to predict the effect of missense changes on protein structure and function (SIFT, PolyPhen-2, Align-GVGD) all suggest that this variant is likely to be tolerated, but these predictions have not been confirmed by published functional studies and their clinical significance is uncertain.

NM_000489.6(ATRX):c.2591G>T (p.Gly864Val)

Gene: ATRX (ATRX chromatin remodeler; minus strand). Cytogenetic location: Xq21.1.
Variant type: single nucleotide variant.
Coding change: c.2591G>T on transcript NM_000489.6 (MANE Select); coding-DNA position 2591, G replaced by T.
Protein change: p.Gly864Val; replaces glycine 864 with valine.
Molecular consequence: missense variant.
Genome position (GRCh38, 1-based): chrX:77,682,665, C>A on the plus strand (G>T on the coding strand, the complement: ATRX is on the minus strand). VCF-style: chrX-77682665-C-A. GRCh37 (hg19) VCF-style: chrX-76938157-C-A.
Other names: c.2591G>T (NM_000489.3); c.2477G>T, p.Gly826Val (NM_138270.5); short protein forms G826V, G864V.
Identifiers: ClinVar variation 1054435 (VCV001054435.10), dbSNP rs2148593605, ClinGen allele CA413711547.